The following is an entry in ClinVar:

NM_201384.3(PLEC):c.7642C>G (p.Leu2548Val)

Gene: PLEC (plectin; minus strand). Cytogenetic location: 8q24.3.
Variant type: single nucleotide variant.
Coding change: c.7642C>G on transcript NM_201384.3 (MANE Select); coding-DNA position 7642, C replaced by G.
Protein change: p.Leu2548Val; replaces leucine 2548 with valine.
Molecular consequence: missense variant.
Genome position (GRCh38, 1-based): chr8:143,922,179, G>C on the plus strand (C>G on the coding strand, the complement: PLEC is on the minus strand). VCF-style: chr8-143922179-G-C. GRCh37 (hg19) VCF-style: chr8-144996347-G-C.
Other names: c.7723C>G, p.Leu2575Val (NM_000445.5); c.7600C>G, p.Leu2534Val (NM_201378.4); c.7576C>G, p.Leu2526Val (NM_201379.3); c.8053C>G, p.Leu2685Val (NM_201380.4); c.7546C>G, p.Leu2516Val (NM_201381.3); c.7642C>G, p.Leu2548Val (NM_201382.4); c.7654C>G, p.Leu2552Val (NM_201383.3); short protein forms L2552V, L2575V, L2685V, L2526V, L2516V, L2534V, L2548V.
Identifiers: ClinVar variation 941950 (VCV000941950.7), dbSNP rs1823027357, ClinGen allele CA372523557.

ClinVar aggregate classification (germline): Uncertain significance (1 of 4 stars; one submission).

Conditions:
Epidermolysis bullosa simplex 5B, with muscular dystrophy (EBS5B). Also called: EPIDERMOLYSIS BULLOSA SIMPLEX AND LIMB-GIRDLE MUSCULAR DYSTROPHY; Epidermolysis bullosa simplex with muscular dystrophy. Identifiers: Orphanet 257, MedGen C2931072, MONDO:0009181, OMIM 226670.
Epidermolysis bullosa simplex, Ogna type (EBS5A). Also called: Pidermolysis bullosa simplex 5A, Ogna type; EPIDERMOLYSIS BULLOSA SIMPLEX 5A, OGNA TYPE. Identifiers: Orphanet 79401, MedGen C0432317, MONDO:0007555, OMIM 131950.
Epidermolysis bullosa simplex 5C, with pyloric atresia (EBS5C). Also called: Epidermolysis bullosa simplex with pyloric atresia; PLEC-Related Epidermolysis Bullosa with Pyloric Atresia; PLEC1-Related Epidermolysis Bullosa with Pyloric Atresia. Identifiers: Orphanet 158684, MedGen C2677349, MONDO:0012807, OMIM 612138.
Epidermolysis bullosa simplex with nail dystrophy (EBS5D). Identifiers: MedGen C4225309, MONDO:0014661, OMIM 616487.
Autosomal recessive limb-girdle muscular dystrophy type 2Q (LGMDR17). Also called: MUSCULAR DYSTROPHY, LIMB-GIRDLE, AUTOSOMAL RECESSIVE 17. Identifiers: Orphanet 254361, MedGen C3150989, MONDO:0013390, OMIM 613723.

Allele frequency attached by ClinVar (database versions not stated): TOPMed below 0.00001.
gnomAD v4.1: 2 of 1,544,154 alleles (0.00013%); highest among the groups gnomAD compares: Non-Finnish European, 0.000087%; no homozygotes.

Submission:

Labcorp Genetics (formerly Invitae), Labcorp
Classification: Uncertain significance for Autosomal recessive limb-girdle muscular dystrophy type 2Q; Epidermolysis bullosa simplex, Ogna type; Epidermolysis bullosa simplex with nail dystrophy; Epidermolysis bullosa simplex 5C, with pyloric atresia; Epidermolysis bullosa simplex 5B, with muscular dystrophy. Last evaluated: 2023-06-27. Review status: criteria provided, single submitter. Criteria: Invitae Variant Classification Sherloc (09022015). Collection method: clinical testing. Allele origin: germline.
Comment: In summary, the available evidence is currently insufficient to determine the role of this variant in disease. Therefore, it has been classified as a Variant of Uncertain Significance. This sequence change replaces leucine, which is neutral and non-polar, with valine, which is neutral and non-polar, at codon 2575 of the PLEC protein (p.Leu2575Val). This variant is not present in population databases (gnomAD no frequency). This variant has not been reported in the literature in individuals affected with PLEC-related conditions. ClinVar contains an entry for this variant (Variation ID: 941950). Advanced modeling of protein sequence and biophysical properties (such as structural, functional, and spatial information, amino acid conservation, physicochemical variation, residue mobility, and thermodynamic stability) performed at Invitae indicates that this missense variant is not expected to disrupt PLEC protein function.